The following is an entry in ClinVar:

ClinVar aggregate classification (germline): Uncertain significance. Review status: criteria provided, multiple submitters, no conflicts (2 of 4 stars). 2 submissions from 2 submitters: Uncertain significance (2). Last evaluated 2024-10-15.

gnomAD v4.1: 32 of 1,612,702 alleles (0.002%); highest among the groups gnomAD compares: Middle Eastern, 0.016%; no homozygotes.

Submissions (2):

Blueprint Genetics
Classification: Uncertain significance. Last evaluated: 2024-10-15. Review status: criteria provided, single submitter. Criteria: ACMG Guidelines, 2015. Collection method: clinical testing. Allele origin: germline.

Labcorp Genetics (formerly Invitae), Labcorp
Classification: Uncertain significance. Last evaluated: 2024-08-04. Review status: criteria provided, single submitter. Criteria: Invitae Variant Classification Sherloc (09022015). Collection method: clinical testing. Allele origin: germline.
Comment: This sequence change replaces valine, which is neutral and non-polar, with methionine, which is neutral and non-polar, at codon 101 of the PRPF31 protein (p.Val101Met). The frequency data for this variant in the population databases is considered unreliable, as metrics indicate poor data quality at this position in the gnomAD database. This variant has not been reported in the literature in individuals affected with PRPF31-related conditions. An algorithm developed to predict the effect of missense changes on protein structure and function (PolyPhen-2) suggests that this variant is likely to be tolerated. In summary, the available evidence is currently insufficient to determine the role of this variant in disease. Therefore, it has been classified as a Variant of Uncertain Significance.

NM_015629.4(PRPF31):c.301G>A (p.Val101Met)

Genes: PRPF31 (pre-mRNA processing factor 31; plus strand), PRPF31-AS1 (PRPF31 antisense RNA 1; minus strand). Cytogenetic location: 19q13.42.
Variant type: single nucleotide variant.
Coding change: c.301G>A on transcript NM_015629.4 (MANE Select); coding-DNA position 301, G replaced by A.
Protein change: p.Val101Met; replaces valine 101 with methionine.
Molecular consequence: missense variant.
Genome position (GRCh38, 1-based): chr19:54,121,922, G>A. VCF-style: chr19-54121922-G-A. GRCh37 (hg19) VCF-style: chr19-54625301-G-A.
Other names: short protein forms V101M.
Identifiers: ClinVar variation 3621313 (VCV003621313.3).
Genomic context (GRCh38, chr19:54,121,922, plus strand): 5'-ATGGGACCAGTGGAGGCCGCGCCTGAATACCGCGTCATCGTGGATGCCAACAACCTGACC[G>A]TGGAGATCGAAAACGAGCTGAGTGAGTGCTGGGGGGCAGGCGGAGACAGCCCCGTGTGAC-3'
Protein context (NP_056444.3, residues 91-111): RVIVDANNLT[Val101Met]EIENELNIIH